The following is an entry in ClinVar:

ClinVar aggregate classification (germline): Uncertain significance (1 of 4 stars; one submission).

Submission:

Labcorp Genetics (formerly Invitae), Labcorp
Classification: Uncertain significance. Last evaluated: 2021-12-02. Review status: criteria provided, single submitter. Criteria: Invitae Variant Classification Sherloc (09022015). Collection method: clinical testing. Allele origin: germline.
Comment: This sequence change replaces serine, which is neutral and polar, with alanine, which is neutral and non-polar, at codon 309 of the POLR1C protein (p.Ser309Ala). This variant is not present in population databases (gnomAD no frequency). This variant has not been reported in the literature in individuals affected with POLR1C-related conditions. Algorithms developed to predict the effect of missense changes on protein structure and function are either unavailable or do not agree on the potential impact of this missense change (SIFT: "Not Available"; PolyPhen-2: "Benign"; Align-GVGD: "Not Available"). In summary, the available evidence is currently insufficient to determine the role of this variant in disease. Therefore, it has been classified as a Variant of Uncertain Significance.

NM_203290.4(POLR1C):c.925T>G (p.Ser309Ala)

Gene: POLR1C (RNA polymerase I and III subunit C; plus strand). Cytogenetic location: 6p21.1.
Variant type: single nucleotide variant.
Coding change: c.925T>G on transcript NM_203290.4 (MANE Select); coding-DNA position 925, T replaced by G.
Protein change: p.Ser309Ala; replaces serine 309 with alanine.
Molecular consequence: missense variant. On other transcripts: intron variant (2).
Genome position (GRCh38, 1-based): chr6:43,521,184, T>G. VCF-style: chr6-43521184-T-G. GRCh37 (hg19) VCF-style: chr6-43488922-T-G.
Other names: c.922+136T>G (NM_001318876.2, NM_001363658.2); short protein forms S309A.
Identifiers: ClinVar variation 1520514 (VCV001520514.1), dbSNP rs2127691956, ClinGen allele CA364285236.